The following is an entry in ClinVar:

ClinVar aggregate classification (germline): Uncertain significance (1 of 4 stars; one submission).

Conditions:
Developmental and epileptic encephalopathy, 53. Also called: Epileptic encephalopathy, early infantile, 53. Identifiers: MedGen C4479313, MONDO:0033362, OMIM 617389.
Early-onset Parkinson disease 20. Also called: PARKINSON DISEASE 20, AUTOSOMAL RECESSIVE EARLY-ONSET. Identifiers: Orphanet 391411, MedGen C3809824, MONDO:0014233, OMIM 615530.

Allele frequency attached by ClinVar (database versions not stated): gnomAD exomes below 0.00001 and 0.00001; TOPMed below 0.00001; gnomAD 0.00001.
gnomAD v4.1: 8 of 1,614,106 alleles (0.0005%); highest among the groups gnomAD compares: South Asian, 0.0077%; no homozygotes.

Submission:

Labcorp Genetics (formerly Invitae), Labcorp
Classification: Uncertain significance for Developmental and epileptic encephalopathy, 53; Early-onset Parkinson disease 20. Last evaluated: 2022-11-15. Review status: criteria provided, single submitter. Criteria: Invitae Variant Classification Sherloc (09022015). Collection method: clinical testing. Allele origin: germline.
Comment: In summary, the available evidence is currently insufficient to determine the role of this variant in disease. Therefore, it has been classified as a Variant of Uncertain Significance. Algorithms developed to predict the effect of missense changes on protein structure and function output the following: SIFT: "Tolerated"; PolyPhen-2: "Benign"; Align-GVGD: "Class C0". The serine amino acid residue is found in multiple mammalian species, which suggests that this missense change does not adversely affect protein function. ClinVar contains an entry for this variant (Variation ID: 1466276). This variant has not been reported in the literature in individuals affected with SYNJ1-related conditions. This variant is present in population databases (no rsID available, gnomAD 0.006%). This sequence change replaces asparagine, which is neutral and polar, with serine, which is neutral and polar, at codon 1558 of the SYNJ1 protein (p.Asn1558Ser).

NM_203446.3(SYNJ1):c.*644A>G

Gene: SYNJ1 (synaptojanin 1; minus strand). Cytogenetic location: 21q22.11.
Variant type: single nucleotide variant.
Coding change: c.*644A>G on transcript NM_203446.3 (MANE Select); 644 bases downstream of the stop codon, A replaced by G.
Molecular consequence: 3 prime UTR variant. On other transcripts: missense variant (2).
Genome position (GRCh38, 1-based): chr21:32,631,161, T>C on the plus strand (A>G on the coding strand, the complement: SYNJ1 is on the minus strand). VCF-style: chr21-32631161-T-C. GRCh37 (hg19) VCF-style: chr21-34003471-T-C.
Other names: c.*644A>G (NM_001160302.2); c.4415A>G, p.Asn1472Ser (NM_001160306.2); c.4673A>G, p.Asn1558Ser (NM_003895.4); short protein forms N1558S, N1472S.
Identifiers: ClinVar variation 1466276 (VCV001466276.6), dbSNP rs1358594027, ClinGen allele CA410081120.